The following is an entry in ClinVar:

NM_000268.4(NF2):c.1563A>G (p.Ile521Met)

Gene: NF2 (NF2, moesin-ezrin-radixin like (MERLIN) tumor suppressor; plus strand). Cytogenetic location: 22q12.2.
Variant type: single nucleotide variant.
Coding change: c.1563A>G on transcript NM_000268.4 (MANE Select); coding-DNA position 1563, A replaced by G.
Protein change: p.Ile521Met; replaces isoleucine 521 with methionine.
Molecular consequence: missense variant. On other transcripts: non-coding transcript variant (1), intron variant (1).
Genome position (GRCh38, 1-based): chr22:29,678,312, A>G. VCF-style: chr22-29678312-A-G. GRCh37 (hg19) VCF-style: chr22-30074301-A-G.
Other names: c.1563A>G, p.Ile521Met (NM_016418.5, NM_181825.3, NM_181832.3); c.1437A>G, p.Ile479Met (NM_181828.3); c.1440A>G, p.Ile480Met (NM_181829.3); c.1314A>G, p.Ile438Met (NM_181830.3, NM_181831.3); c.448-16440A>G (NM_181833.3); c.1563A>G (NM_000268.3); short protein forms I479M, I521M, I438M, I480M.
Identifiers: ClinVar variation 1352274 (VCV001352274.8), dbSNP rs2147108932, ClinGen allele CA411149793.

ClinVar aggregate classification (germline): Uncertain significance. Review status: criteria provided, multiple submitters, no conflicts (2 of 4 stars). 3 submissions from 3 submitters: Uncertain significance (3). Last evaluated 2024-11-11.

Conditions:
Hereditary cancer-predisposing syndrome. Also called: Neoplastic Syndromes, Hereditary; Tumor predisposition; Hereditary Cancer Syndrome; Hereditary neoplastic syndrome. Identifiers: Orphanet 140162, MedGen C0027672, MeSH D009386, MONDO:0015356.
Neurofibromatosis, type 2 (SWNV). Also called: SCHWANNOMATOSIS, VESTIBULAR; NF2-Related Schwannomatosis; BILATERAL ACOUSTIC NEUROFIBROMATOSIS. Identifiers: Orphanet 637, MedGen C0027832, MONDO:0007039, OMIM 101000. Disease mechanism: loss of function.

Allele frequency attached by ClinVar (database versions not stated): gnomAD exomes below 0.00001.

Submissions (3):

Ambry Genetics
Classification: Uncertain significance for Hereditary cancer-predisposing syndrome. Last evaluated: 2024-11-11. Review status: criteria provided, single submitter. Criteria: Ambry Variant Classification Scheme 2023. Collection method: clinical testing. Allele origin: germline.
Comment: The p.I521M variant (also known as c.1563A>G), located in coding exon 14 of the NF2 gene, results from an A to G substitution at nucleotide position 1563. The isoleucine at codon 521 is replaced by methionine, an amino acid with highly similar properties. This amino acid position is conserved. In addition, the in silico prediction for this alteration is inconclusive. Based on the available evidence, the clinical significance of this variant remains unclear.

All of Us Research Program, National Institutes of Health
Classification: Uncertain significance for Neurofibromatosis, type 2. Last evaluated: 2023-11-20. Review status: criteria provided, single submitter. Criteria: ACMG Guidelines, 2015. Collection method: clinical testing. Allele origin: germline. Inheritance: Autosomal dominant inheritance. Observed: 1 variant allele, 1 heterozygote.
Comment: This missense variant replaces isoleucine with methionine at codon 521 of the NF2 protein. Computational prediction is inconclusive regarding the impact of this variant on protein structure and function (internally defined REVEL score threshold 0.5 < inconclusive < 0.7, PMID: 27666373). To our knowledge, functional studies have not been reported for this variant. This variant has not been reported in individuals affected with NF2-related disorders in the literature. This variant has not been identified in the general population by the Genome Aggregation Database (gnomAD). The available evidence is insufficient to determine the role of this variant in disease conclusively. Therefore, this variant is classified as a Variant of Uncertain Significance.

This study involves interpretation of variants in research participants for the purpose of population health screening. Participant phenotype was not available at the time of variant classification. Additional details can be found in publication PMID: 35346344, PMCID: PMC8962531

Labcorp Genetics (formerly Invitae), Labcorp
Classification: Uncertain significance for Neurofibromatosis, type 2. Last evaluated: 2021-10-24. Review status: criteria provided, single submitter. Criteria: Invitae Variant Classification Sherloc (09022015). Collection method: clinical testing. Allele origin: germline.
Comment: In summary, the available evidence is currently insufficient to determine the role of this variant in disease. Therefore, it has been classified as a Variant of Uncertain Significance. Algorithms developed to predict the effect of missense changes on protein structure and function are either unavailable or do not agree on the potential impact of this missense change (SIFT: "Tolerated"; PolyPhen-2: "Probably Damaging"; Align-GVGD: "Class C0"). This variant has not been reported in the literature in individuals affected with NF2-related conditions. This variant is not present in population databases (ExAC no frequency). This sequence change replaces isoleucine with methionine at codon 521 of the NF2 protein (p.Ile521Met). The isoleucine residue is moderately conserved and there is a small physicochemical difference between isoleucine and methionine.